The following is an entry in ClinVar:

ClinVar aggregate classification (germline): Conflicting classifications of pathogenicity. Review status: criteria provided, conflicting classifications (1 of 4 stars). 2 submissions from 2 submitters: Uncertain significance (1); Likely benign (1). Last evaluated 2025-10-24.

Conditions:
Inborn genetic diseases. Identifiers: MedGen C0950123, MeSH D030342.
DYRK1A-related intellectual disability syndrome (MRD7). Also called: DYRK1A Syndrome; Intellectual developmental disorder, autosomal dominant 7. Identifiers: Orphanet 464306, MedGen C5568143, MONDO:0013578, OMIM 614104.

gnomAD v4.1: 4 of 1,614,106 alleles (0.00025%); highest among the groups gnomAD compares: East Asian, 0.0067%; no homozygotes.

Submissions (2):

Ambry Genetics
Classification: Likely benign for Inborn genetic diseases. Last evaluated: 2025-10-24. Review status: criteria provided, single submitter. Criteria: Ambry Variant Classification Scheme 2023. Collection method: clinical testing. Allele origin: germline.

Labcorp Genetics (formerly Invitae), Labcorp
Classification: Uncertain significance for DYRK1A-related intellectual disability syndrome. Last evaluated: 2025-10-20. Review status: criteria provided, single submitter. Criteria: Invitae Variant Classification Sherloc (09022015). Collection method: clinical testing. Allele origin: germline.
Comment: This sequence change replaces histidine, which is basic and polar, with leucine, which is neutral and non-polar, at codon 602 of the DYRK1A protein (p.His602Leu). This variant is present in population databases (rs758314164, gnomAD 0.006%). This variant has not been reported in the literature in individuals affected with DYRK1A-related conditions. ClinVar contains an entry for this variant (Variation ID: 858482). Invitae Evidence Modeling of protein sequence and biophysical properties (such as structural, functional, and spatial information, amino acid conservation, physicochemical variation, residue mobility, and thermodynamic stability) indicates that this missense variant is not expected to disrupt DYRK1A protein function with a negative predictive value of 95%. In summary, the available evidence is currently insufficient to determine the role of this variant in disease. Therefore, it has been classified as a Variant of Uncertain Significance.

NM_001347721.2(DYRK1A):c.1778A>T (p.His593Leu)

Gene: DYRK1A (dual specificity tyrosine phosphorylation regulated kinase 1A; plus strand). Cytogenetic location: 21q22.13.
Variant type: single nucleotide variant.
Coding change: c.1778A>T on transcript NM_001347721.2 (MANE Select); coding-DNA position 1778, A replaced by T.
Protein change: p.His593Leu; replaces histidine 593 with leucine.
Molecular consequence: missense variant. On other transcripts: 3 prime UTR variant (2).
Genome position (GRCh38, 1-based): chr21:37,512,044, A>T. VCF-style: chr21-37512044-A-T. GRCh37 (hg19) VCF-style: chr21-38884347-A-T.
Other names: c.1778A>T, p.His593Leu (NM_001347722.2, NM_130436.2); c.1691A>T, p.His564Leu (NM_001347723.2); c.1805A>T, p.His602Leu (NM_001396.5); c.*181A>T (NM_101395.2); c.*90A>T (NM_130438.2); short protein forms H564L, H602L, H593L.
Identifiers: ClinVar variation 858482 (VCV000858482.11), dbSNP rs758314164, ClinGen allele CA10024095.
Genomic context (GRCh38, chr21:37,512,044, plus strand): 5'-ATCCTGTTCAAGAAACAACCTTTCATGTAGCCCCTCAACAGAATGCATTGCATCATCACC[A>T]TGGTAACAGTTCCCATCACCATCACCACCACCACCACCATCACCACCACCATGGACAACA-3'
Protein context (NP_001334650.1, residues 583-603): APQQNALHHH[His593Leu]GNSSHHHHHH